The following is an entry in ClinVar:

ClinVar aggregate classification (germline): Conflicting classifications of pathogenicity. Review status: criteria provided, conflicting classifications (1 of 4 stars). 11 submissions from 11 submitters: Uncertain significance (9); Likely benign (1). 1 of the submissions does not count toward it. Last evaluated 2026-01-19.

Conditions:
Hereditary cancer-predisposing syndrome. Also called: Tumor predisposition; Hereditary neoplastic syndrome; Neoplastic Syndromes, Hereditary; Hereditary Cancer Syndrome. Identifiers: Orphanet 140162, MedGen C0027672, MeSH D009386, MONDO:0015356.
Familial adenomatous polyposis 2. Also called: Adenomas, multiple colorectal; MUTYH-associated polyposis; MUTYH-related attenuated familial adenomatous polyposis; MUTYH Polyposis; COLORECTAL ADENOMATOUS POLYPOSIS, AUTOSOMAL RECESSIVE; ADENOMAS, MULTIPLE COLORECTAL, AUTOSOMAL RECESSIVE. Identifiers: Orphanet 220460, Orphanet 247798, MedGen C3272841, MONDO:0012041, OMIM 608456.

Allele frequency attached by ClinVar (database versions not stated): gnomAD 0.00003; TOPMed 0.00003; ExAC 0.00004; 1000 Genomes Project 0.00020; gnomAD exomes 0.00003 and 0.00002; ESP Exome Variant Server 0.00015; 1000 Genomes Project 30x 0.00016.

Submissions (11):

Labcorp Genetics (formerly Invitae), Labcorp
Classification: Uncertain significance for Familial adenomatous polyposis 2. Last evaluated: 2026-01-19. Review status: criteria provided, single submitter. Criteria: Invitae Variant Classification Sherloc (09022015). Collection method: clinical testing. Allele origin: germline.
Comment: This sequence change replaces arginine, which is basic and polar, with glutamine, which is neutral and polar, at codon 519 of the MUTYH protein (p.Arg519Gln). This variant is present in population databases (rs369410616, gnomAD 0.01%). This missense change has been observed in individual(s) with breast cancer (PMID: 31090900). ClinVar contains an entry for this variant (Variation ID: 127841). An algorithm developed to predict the effect of missense changes on protein structure and function outputs the following: PolyPhen-2: "Benign". The glutamine amino acid residue is found in multiple mammalian species, which suggests that this missense change does not adversely affect protein function. RNA analysis performed to evaluate the impact of this missense change on mRNA splicing indicates it does not significantly alter splicing (internal data). In summary, the available evidence is currently insufficient to determine the role of this variant in disease. Therefore, it has been classified as a Variant of Uncertain Significance.

ARUP Laboratories, Molecular Genetics and Genomics, ARUP Laboratories
Classification: Uncertain significance. Last evaluated: 2025-07-09. Review status: criteria provided, single submitter. Criteria: ARUP Molecular Germline Variant Investigation Process 2024. Collection method: clinical testing. Allele origin: germline.
Comment: The MUTYH c.1556G>A; p.Arg519Gln variant (rs369410616, ClinVar Variation ID: 127841) is reported in the literature in both individuals affected with breast cancer as well as healthy controls (Breast Cancer Association Consortium 2021, Nones 2019). This variant is found in the general population with an overall allele frequency of 0.002% (6/282,814 alleles) in the Genome Aggregation Database (v2.1.1). Computational analyses are uncertain whether this variant is neutral or deleterious (REVEL: 0.164). Due to limited information, the clinical significance of this variant is uncertain at this time. References: Breast Cancer Association Consortium et al. Breast Cancer Risk Genes - Association Analysis in More than 113,000 Women. N Engl J Med. 2021 Feb 4;384(5):428-439. PMID: 33471991. Nones K et al. Whole-genome sequencing reveals clinically relevant insights into the aetiology of familial breast cancers. Ann Oncol. 2019 Jul 1;30(7):1071-1079. PMID: 31090900.

Color Diagnostics, LLC DBA Color Health
Classification: Uncertain significance for Hereditary cancer-predisposing syndrome. Last evaluated: 2025-07-08. Review status: criteria provided, single submitter. Criteria: ACMG Guidelines, 2015. Collection method: clinical testing. Allele origin: germline.
Comment: This missense variant replaces arginine with glutamine at codon 519 of the MUTYH protein. Computational prediction suggests that this variant may not impact protein structure and function. To our knowledge, functional studies have not been reported for this variant. This variant has been reported in individuals affected with breast cancer (PMID: 31090900, 33471991). In a large international case-control study, this variant was reported in 4/60466 breast cancer cases and 5/53461 controls (PMID: 33471991). This variant has been identified in 6/282814 chromosomes in the general population by the Genome Aggregation Database (gnomAD). The available evidence is insufficient to determine the role of this variant in disease conclusively. Therefore, this variant is classified as a Variant of Uncertain Significance.

Center for Genomic Medicine, Rigshospitalet, Copenhagen University Hospital
Classification: Uncertain significance. Last evaluated: 2025-03-04. Review status: criteria provided, single submitter. Criteria: ACMG Guidelines, 2015. Collection method: clinical testing. Allele origin: germline.

Women's Health and Genetics/Laboratory Corporation of America, LabCorp
Classification: Uncertain significance. Last evaluated: 2025-02-25. Review status: criteria provided, single submitter. Criteria: LabCorp Variant Classification Summary - May 2015. Collection method: clinical testing. Allele origin: germline.
Comment: Variant summary: MUTYH c.1556G>A (p.Arg519Gln) results in a conservative amino acid change in the encoded protein sequence. Three of four in-silico tools predict a benign effect of the variant on protein function. The variant allele was found at a frequency of 2e-05 in 251470 control chromosomes. The available data on variant occurrences in the general population are insufficient to allow any conclusion about variant significance. c.1556G>A has been reported in the literature in individuals affected with Hereditary Breast And Ovarian Cancer Syndrome (Nones_2019). A risk association study showed that this variant is not associated with Hereditary Breast And Ovarian Cancer Syndrome (Dorling_2021, LOVD database, p=0.6). Co-occurrence with a pathogenic variant has been reported (BRCA1 c.5244_5245delAA, p.Lys1748fs, Nones_2019), providing supporting evidence for a benign role. These report(s) do not provide unequivocal conclusions about association of the variant with MUTYH-Associated Polyposis. To our knowledge, no experimental evidence demonstrating an impact on protein function has been reported. The following publications have been ascertained in the context of this evaluation (PMID: 32665031, 33471991, 31090900). ClinVar contains an entry for this variant (Variation ID: 127841). Based on the evidence outlined above, the variant was classified as uncertain significance.

Quest Diagnostics Nichols Institute San Juan Capistrano
Classification: Uncertain significance. Last evaluated: 2024-05-17. Review status: criteria provided, single submitter. Criteria: Quest Diagnostics criteria. Collection method: clinical testing. Allele origin: unknown.
Comment: The MUTYH c.1556G>A (p.Arg519Gln) variant has been reported in the published literature in individuals with breast cancer and in reportedly healthy individuals (PMIDs: 33471991 (2021), 31090900 (2019), see also LOVD. The frequency of this variant in the general population, 0.000021 (6/282814 chromosomes (Genome Aggregation Database)), is uninformative in the assessment of its pathogenicity. Analysis of this variant using bioinformatics tools for the prediction of the effect of amino acid changes on protein structure and function yielded predictions that this variant is damaging. Based on the available information, we are unable to determine the clinical significance of this variant.

All of Us Research Program, National Institutes of Health
Classification: Uncertain significance for Familial adenomatous polyposis 2. Last evaluated: 2024-01-08. Review status: criteria provided, single submitter. Criteria: ACMG Guidelines, 2015. Collection method: clinical testing. Allele origin: germline. Inheritance: Autosomal recessive inheritance. Observed: 3 variant alleles, 3 heterozygotes.
Comment: This missense variant replaces arginine with glutamine at codon 519 of the MUTYH protein. Computational prediction suggests that this variant may not impact protein structure and function (internally defined REVEL score threshold <= 0.5, PMID: 27666373). To our knowledge, functional studies have not been reported for this variant. This variant has been reported in individuals affected with breast cancer (PMID: 31090900, 33471991). In a large international case-control study, this variant was reported in 4/60466 breast cancer cases and 5/53461 controls (PMID: 33471991). This variant has been identified in 6/282814 chromosomes in the general population by the Genome Aggregation Database (gnomAD). The available evidence is insufficient to determine the role of this variant in disease conclusively. Therefore, this variant is classified as a Variant of Uncertain Significance.

This study involves interpretation of variants in research participants for the purpose of population health screening. Participant phenotype was not available at the time of variant classification. Additional details can be found in publication PMID: 35346344, PMCID: PMC8962531

Baylor Genetics
Classification: Uncertain significance for Familial adenomatous polyposis 2. Last evaluated: 2023-10-22. Review status: criteria provided, single submitter. Criteria: ACMG Guidelines, 2015. Collection method: clinical testing. Allele origin: unknown.

GeneDx
Classification: Uncertain significance. Last evaluated: 2021-03-25. Review status: criteria provided, single submitter. Criteria: GeneDx Variant Classification Process June 2021. Collection method: clinical testing. Allele origin: germline. Affected: yes.
Comment: Not observed at a significant frequency in large population cohorts (Lek 2016); In silico analysis supports that this missense variant does not alter protein structure/function; Observed in individuals with breast cancer (Nones 2019); This variant is associated with the following publications: (PMID: 31090900)

Ambry Genetics
Classification: Likely benign for Hereditary cancer-predisposing syndrome. Last evaluated: 2017-11-27. Review status: criteria provided, single submitter. Criteria: Ambry Variant Classification Scheme 2023. Collection method: clinical testing. Allele origin: germline.

Counsyl
Classification: Uncertain significance for Familial adenomatous polyposis 2. Last evaluated: 2017-08-22. Review status: no assertion criteria provided. Collection method: clinical testing. Allele origin: unknown. Not counted in ClinVar's aggregate classification.

Literature cited by the submitters: PubMed 31090900 (cited by 5 submitters); PubMed 33471991 (cited by 3 submitters); PubMed 32665031 (cited by Women's Health and Genetics/Laboratory Corporation of America, LabCorp).

NM_001048174.2(MUTYH):c.1472G>A (p.Arg491Gln)

Gene: MUTYH (mutY DNA glycosylase; minus strand). Cytogenetic location: 1p34.1.
Variant type: single nucleotide variant.
Coding change: c.1472G>A on transcript NM_001048174.2 (MANE Select); coding-DNA position 1472, G replaced by A.
Protein change: p.Arg491Gln; replaces arginine 491 with glutamine.
Molecular consequence: missense variant. On other transcripts: non-coding transcript variant (2).
Genome position (GRCh38, 1-based): chr1:45,329,400, C>T on the plus strand (G>A on the coding strand, the complement: MUTYH is on the minus strand). VCF-style: chr1-45329400-C-T. GRCh37 (hg19) VCF-style: chr1-45795072-C-T.
Other names: p.R519Q:CGG>CAG; c.1472G>A, p.Arg491Gln (NM_001048171.2, NM_001048173.2, NM_001293195.2); c.1475G>A, p.Arg492Gln (NM_001048172.2); c.1556G>A, p.Arg519Gln (NM_001128425.2); c.1517G>A, p.Arg506Gln (NM_001293190.2); c.1505G>A, p.Arg502Gln (NM_001293191.2); c.1196G>A, p.Arg399Gln (NM_001293192.2, NM_001293196.2); c.1127G>A, p.Arg376Gln (NM_001350650.2, NM_001350651.2); and 1 more; short protein forms R519Q, R505Q, R492Q, R506Q, R516Q, R491Q, R376Q, R502Q.
Identifiers: ClinVar variation 127841 (VCV000127841.32), dbSNP rs369410616, ClinGen allele CA013025.